The following is an entry in ClinVar:

NM_005257.6(GATA6):c.1313G>A (p.Arg438Gln)

Gene: GATA6 (GATA binding protein 6; plus strand). Cytogenetic location: 18q11.2.
Variant type: single nucleotide variant.
Coding change: c.1313G>A on transcript NM_005257.6 (MANE Select); coding-DNA position 1313, G replaced by A.
Protein change: p.Arg438Gln; replaces arginine 438 with glutamine.
Molecular consequence: missense variant.
Genome position (GRCh38, 1-based): chr18:22,181,463, G>A. VCF-style: chr18-22181463-G-A. GRCh37 (hg19) VCF-style: chr18-19761424-G-A.
Other names: c.1313G>A (NM_005257.3); short protein forms R438Q.
Identifiers: ClinVar variation 3007644 (VCV003007644.4), dbSNP rs777984822, ClinGen allele CA8908959.

ClinVar aggregate classification (germline): Uncertain significance. Review status: criteria provided, multiple submitters, no conflicts (2 of 4 stars). 2 submissions from 2 submitters: Uncertain significance (2). Last evaluated 2025-02-26.

Conditions:
Atrioventricular septal defect 5 (AVSD5). Identifiers: MedGen C3280939, MONDO:0013769, OMIM 614474.
Inborn genetic diseases. Identifiers: MedGen C0950123, MeSH D030342.

Allele frequency attached by ClinVar (database versions not stated): TOPMed below 0.00001; ExAC 0.00001.
gnomAD v4.1: 2 of 1,614,004 alleles (0.00012%); highest among the groups gnomAD compares: South Asian, 0.0022%; no homozygotes.

Submissions (2):

Ambry Genetics
Classification: Uncertain significance for Inborn genetic diseases. Last evaluated: 2025-02-26. Review status: criteria provided, single submitter. Criteria: Ambry Variant Classification Scheme 2023. Collection method: clinical testing. Allele origin: germline.

Labcorp Genetics (formerly Invitae), Labcorp
Classification: Uncertain significance for Atrioventricular septal defect 5. Last evaluated: 2024-12-16. Review status: criteria provided, single submitter. Criteria: Invitae Variant Classification Sherloc (09022015). Collection method: clinical testing. Allele origin: germline.
Comment: This sequence change replaces arginine, which is basic and polar, with glutamine, which is neutral and polar, at codon 438 of the GATA6 protein (p.Arg438Gln). This variant is present in population databases (rs777984822, gnomAD 0.003%). This variant has not been reported in the literature in individuals affected with GATA6-related conditions. ClinVar contains an entry for this variant (Variation ID: 3007644). Invitae Evidence Modeling of protein sequence and biophysical properties (such as structural, functional, and spatial information, amino acid conservation, physicochemical variation, residue mobility, and thermodynamic stability) indicates that this missense variant is expected to disrupt GATA6 protein function with a positive predictive value of 80%. In summary, the available evidence is currently insufficient to determine the role of this variant in disease. Therefore, it has been classified as a Variant of Uncertain Significance.